The following is an entry in ClinVar:

NM_000540.3(RYR1):c.12984G>C (p.Ala4328=)

Gene: RYR1 (ryanodine receptor 1; plus strand). Cytogenetic location: 19q13.2.
Variant type: single nucleotide variant.
Coding change: c.12984G>C on transcript NM_000540.3 (MANE Select); coding-DNA position 12984, G replaced by C.
Protein change: p.Ala4328=; no amino-acid change (alanine 4328 retained).
Molecular consequence: synonymous variant.
Genome position (GRCh38, 1-based): chr19:38,565,318, G>C. VCF-style: chr19-38565318-G-C. GRCh37 (hg19) VCF-style: chr19-39055958-G-C.
Other names: c.12969G>C, p.Ala4323= (NM_001042723.2).
Identifiers: ClinVar variation 4535773 (VCV004535773.1).

ClinVar aggregate classification (germline): Likely benign (1 of 4 stars; one submission).

Submission:

Women's Health and Genetics/Laboratory Corporation of America, LabCorp
Classification: Likely benign. Last evaluated: 2025-09-04. Review status: criteria provided, single submitter. Criteria: LabCorp Variant Classification Summary - May 2015. Collection method: clinical testing. Allele origin: germline.
Comment: Variant summary: RYR1 c.12984G>C results in a synonymous change. Consensus agreement among computation tools predict no significant impact on normal splicing. However, these predictions have yet to be confirmed by functional studies. The frequency data for this variant in gnomAD is considered unreliable, as metrics indicate poor data quality at this position. To our knowledge, no occurrence of c.12984G>C in individuals affected with RYR1-related conditions and no experimental evidence demonstrating its impact on protein function have been reported. No submitters have cited clinical-significance assessments for this variant to ClinVar. Based on the evidence outlined above, the variant was classified as likely benign.